The following is an entry in ClinVar:

ClinVar aggregate classification (germline): Uncertain significance. Review status: criteria provided, multiple submitters, no conflicts (2 of 4 stars). 5 submissions from 5 submitters: Uncertain significance (5). Last evaluated 2025-10-15.

Conditions:
Familial adenomatous polyposis 1 (FAP1). Also called: FAMILIAL ADENOMATOUS POLYPOSIS 1, ATTENUATED; POLYPOSIS, ADENOMATOUS INTESTINAL. Identifiers: MedGen C2713442, MONDO:0021056, OMIM 175100. Disease mechanism: loss of function.
Hereditary cancer-predisposing syndrome. Also called: Neoplastic Syndromes, Hereditary; Tumor predisposition; Hereditary Cancer Syndrome; Hereditary neoplastic syndrome. Identifiers: Orphanet 140162, MedGen C0027672, MeSH D009386, MONDO:0015356.
Classic or attenuated familial adenomatous polyposis. Identifiers: MedGen CN372698, MONDO:0021057.

gnomAD v4.1: 2 of 1,613,548 alleles (0.00012%); no homozygotes.

Submissions (5):

Labcorp Genetics (formerly Invitae), Labcorp
Classification: Uncertain significance for Familial adenomatous polyposis 1. Last evaluated: 2025-10-15. Review status: criteria provided, single submitter. Criteria: Invitae Variant Classification Sherloc (09022015). Collection method: clinical testing. Allele origin: germline.
Comment: This sequence change replaces serine, which is neutral and polar, with phenylalanine, which is neutral and non-polar, at codon 2205 of the APC protein (p.Ser2205Phe). This variant is not present in population databases (gnomAD no frequency). This variant has not been reported in the literature in individuals affected with APC-related conditions. ClinVar contains an entry for this variant (Variation ID: 232302). Invitae Evidence Modeling of protein sequence and biophysical properties (such as structural, functional, and spatial information, amino acid conservation, physicochemical variation, residue mobility, and thermodynamic stability) indicates that this missense variant is not expected to disrupt APC protein function with a negative predictive value of 95%. In summary, the available evidence is currently insufficient to determine the role of this variant in disease. Therefore, it has been classified as a Variant of Uncertain Significance.

All of Us Research Program, National Institutes of Health
Classification: Uncertain significance for Classic or attenuated familial adenomatous polyposis. Last evaluated: 2024-03-24. Review status: criteria provided, single submitter. Criteria: ACMG Guidelines, 2015. Collection method: clinical testing. Allele origin: germline. Inheritance: Autosomal dominant inheritance. Observed: 1 variant allele, 1 heterozygote.
Comment: This missense variant replaces serine with phenylalanine at codon 2205 of the APC protein. Computational prediction is inconclusive regarding the impact of this variant on protein structure and function (internally defined REVEL score threshold 0.5 < inconclusive < 0.7, PMID: 27666373). To our knowledge, functional studies have not been reported for this variant. This variant has not been reported in individuals affected with APC-related disorders in the literature. This variant has not been identified in the general population by the Genome Aggregation Database (gnomAD). The available evidence is insufficient to determine the role of this variant in disease conclusively. Therefore, this variant is classified as a Variant of Uncertain Significance.

This study involves interpretation of variants in research participants for the purpose of population health screening. Participant phenotype was not available at the time of variant classification. Additional details can be found in publication PMID: 35346344, PMCID: PMC8962531

Color Diagnostics, LLC DBA Color Health
Classification: Uncertain significance for Hereditary cancer-predisposing syndrome. Last evaluated: 2024-02-14. Review status: criteria provided, single submitter. Criteria: ACMG Guidelines, 2015. Collection method: clinical testing. Allele origin: germline.
Comment: This missense variant replaces serine with phenylalanine at codon 2205 of the APC protein. Computational prediction is inconclusive regarding the impact of this variant on protein structure and function (internally defined REVEL score threshold 0.5 < inconclusive < 0.7, PMID: 27666373). To our knowledge, functional studies have not been reported for this variant. This variant has not been reported in individuals affected with APC-related disorders in the literature. This variant has not been identified in the general population by the Genome Aggregation Database (gnomAD). The available evidence is insufficient to determine the role of this variant in disease conclusively. Therefore, this variant is classified as a Variant of Uncertain Significance.

Ambry Genetics
Classification: Uncertain significance for Hereditary cancer-predisposing syndrome. Last evaluated: 2024-01-10. Review status: criteria provided, single submitter. Criteria: Ambry Variant Classification Scheme 2023. Collection method: clinical testing. Allele origin: germline.
Comment: The p.S2205F variant (also known as c.6614C>T), located in coding exon 15 of the APC gene, results from a C to T substitution at nucleotide position 6614. The serine at codon 2205 is replaced by phenylalanine, an amino acid with highly dissimilar properties. This amino acid position is well conserved in available vertebrate species. In addition, in silico predictors for this gene do not accurately predict pathogenicity. Since supporting evidence is limited at this time, the clinical significance of this alteration remains unclear.

GeneDx
Classification: Uncertain significance. Last evaluated: 2022-12-21. Review status: criteria provided, single submitter. Criteria: GeneDx Variant Classification Process June 2021. Collection method: clinical testing. Allele origin: germline. Affected: yes.
Comment: Not observed at significant frequency in large population cohorts (gnomAD); In silico analysis supports that this missense variant does not alter protein structure/function; Has not been previously published as pathogenic or benign to our knowledge; This variant is associated with the following publications: (PMID: 18199528)

NM_000038.6(APC):c.6614C>T (p.Ser2205Phe)

Gene: APC (APC regulator of Wnt signaling pathway; plus strand). Cytogenetic location: 5q22.2.
Variant type: single nucleotide variant.
Coding change: c.6614C>T on transcript NM_000038.6 (MANE Select); coding-DNA position 6614, C replaced by T.
Protein change: p.Ser2205Phe; replaces serine 2205 with phenylalanine.
Molecular consequence: missense variant.
Genome position (GRCh38, 1-based): chr5:112,842,208, C>T. VCF-style: chr5-112842208-C-T. GRCh37 (hg19) VCF-style: chr5-112177905-C-T.
Other names: c.6614C>T, p.Ser2205Phe (NM_001127510.3, NM_001354895.2); c.6560C>T, p.Ser2187Phe (NM_001127511.3); c.6668C>T, p.Ser2223Phe (NM_001354896.2); c.6644C>T, p.Ser2215Phe (NM_001354897.2); c.6539C>T, p.Ser2180Phe (NM_001354898.2); c.6530C>T, p.Ser2177Phe (NM_001354899.2); c.6491C>T, p.Ser2164Phe (NM_001354900.2); c.6437C>T, p.Ser2146Phe (NM_001354901.2); and 5 more; short protein forms S2187F, S2205F, S2146F, S2180F, S1922F, S2223F, S2114F, S2164F.
Identifiers: ClinVar variation 232302 (VCV000232302.20), dbSNP rs876659684, ClinGen allele CA10578433.